The following is an entry in ClinVar:

ClinVar aggregate classification (germline): Uncertain significance (1 of 4 stars; one submission).

Conditions:
Emery-Dreifuss muscular dystrophy 5, autosomal dominant (EDMD5). Also called: EMERY-DREIFUSS MUSCULAR DYSTROPHY 5. Identifiers: Orphanet 261, MedGen C2751805, MONDO:0013072, OMIM 612999.

Submission:

Labcorp Genetics (formerly Invitae), Labcorp
Classification: Uncertain significance for Emery-Dreifuss muscular dystrophy 5, autosomal dominant. Last evaluated: 2022-08-02. Review status: criteria provided, single submitter. Criteria: Invitae Variant Classification Sherloc (09022015). Collection method: clinical testing. Allele origin: germline.
Comment: This sequence change replaces proline, which is neutral and non-polar, with alanine, which is neutral and non-polar, at codon 1291 of the SYNE2 protein (p.Pro1291Ala). This variant is not present in population databases (gnomAD no frequency). This variant has not been reported in the literature in individuals affected with SYNE2-related conditions. Algorithms developed to predict the effect of missense changes on protein structure and function are either unavailable or do not agree on the potential impact of this missense change (SIFT: "Tolerated"; PolyPhen-2: "Possibly Damaging"; Align-GVGD: "Class C0"). In summary, the available evidence is currently insufficient to determine the role of this variant in disease. Therefore, it has been classified as a Variant of Uncertain Significance.

NM_182914.3(SYNE2):c.3871C>G (p.Pro1291Ala)

Gene: SYNE2 (spectrin repeat containing nuclear envelope protein 2; plus strand). Cytogenetic location: 14q23.2.
Variant type: single nucleotide variant.
Coding change: c.3871C>G on transcript NM_182914.3 (MANE Select); coding-DNA position 3871, C replaced by G.
Protein change: p.Pro1291Ala; replaces proline 1291 with alanine.
Molecular consequence: missense variant.
Genome position (GRCh38, 1-based): chr14:64,002,804, C>G. VCF-style: chr14-64002804-C-G. GRCh37 (hg19) VCF-style: chr14-64469522-C-G.
Other names: c.3871C>G, p.Pro1291Ala (NM_015180.6); short protein forms P1291A.
Identifiers: ClinVar variation 1714784 (VCV001714784.5), dbSNP rs775543014, ClinGen allele CA389996643.